The following is an entry in ClinVar:

ClinVar aggregate classification (germline): Uncertain significance (1 of 4 stars; one submission).

Conditions:
Neuropathy, hereditary sensory, type 2C. Also called: Hereditary sensory and autonomic neuropathy type IIC; KIF1A-Related HSAN2 (HSAN2C). Identifiers: Orphanet 970, MedGen C3280168, MONDO:0013634, OMIM 614213.
Hereditary spastic paraplegia 30. Identifiers: Orphanet 101010, MedGen C5235139, MONDO:0012476.
Intellectual disability, autosomal dominant 9 (NESCAVS). Also called: NESCAV SYNDROME; KIF1A-Related Neurodevelopmental Disorder. Identifiers: Orphanet 662367, MedGen C5393830, MONDO:0013656, OMIM 614255.

gnomAD v4.1: 6 of 1,612,078 alleles (0.00037%); highest among the groups gnomAD compares: Non-Finnish European, 0.00051%; no homozygotes.

Submission:

Labcorp Genetics (formerly Invitae), Labcorp
Classification: Uncertain significance for Hereditary spastic paraplegia 30; Neuropathy, hereditary sensory, type 2C; Intellectual disability, autosomal dominant 9. Last evaluated: 2024-11-16. Review status: criteria provided, single submitter. Criteria: Invitae Variant Classification Sherloc (09022015). Collection method: clinical testing. Allele origin: germline.
Comment: This sequence change replaces alanine, which is neutral and non-polar, with glutamic acid, which is acidic and polar, at codon 610 of the KIF1A protein (p.Ala610Glu). This variant is not present in population databases (gnomAD no frequency). This variant has not been reported in the literature in individuals affected with KIF1A-related conditions. ClinVar contains an entry for this variant (Variation ID: 2927485). Invitae Evidence Modeling of protein sequence and biophysical properties (such as structural, functional, and spatial information, amino acid conservation, physicochemical variation, residue mobility, and thermodynamic stability) has been performed for this missense variant. However, the output from this modeling did not meet the statistical confidence thresholds required to predict the impact of this variant on KIF1A protein function. In summary, the available evidence is currently insufficient to determine the role of this variant in disease. Therefore, it has been classified as a Variant of Uncertain Significance.

NM_001244008.2(KIF1A):c.1856C>A (p.Ala619Glu)

Gene: KIF1A (kinesin family member 1A; minus strand). Cytogenetic location: 2q37.3.
Variant type: single nucleotide variant.
Coding change: c.1856C>A on transcript NM_001244008.2 (MANE Select); coding-DNA position 1856, C replaced by A.
Protein change: p.Ala619Glu; replaces alanine 619 with glutamic acid.
Molecular consequence: missense variant.
Genome position (GRCh38, 1-based): chr2:240,763,259, G>T on the plus strand (C>A on the coding strand, the complement: KIF1A is on the minus strand). VCF-style: chr2-240763259-G-T. GRCh37 (hg19) VCF-style: chr2-241702676-G-T.
Other names: c.1856C>A, p.Ala619Glu (NM_001320705.2, NM_001330289.2, NM_001379638.1); c.1931C>A, p.Ala644Glu (NM_001330290.2, NM_001379631.1, NM_001379634.1 and 2 more transcripts); c.1829C>A, p.Ala610Glu (NM_001379632.1, NM_001379633.1, NM_001379636.1 and 11 more transcripts); c.1904C>A, p.Ala635Glu (NM_001379637.1, NM_001379648.1); short protein forms A635E, A610E, A619E, A644E.
Identifiers: ClinVar variation 2927485 (VCV002927485.3), dbSNP rs765812659, ClinGen allele CA351327132.